The following is an entry in ClinVar:

ClinVar aggregate classification (germline): Pathogenic/Likely pathogenic. Review status: criteria provided, multiple submitters, no conflicts (2 of 4 stars). 2 submissions from 2 submitters: Pathogenic (1); Likely pathogenic (1). Last evaluated 2026-03-31.

Conditions:
Early-infantile DEE. Also called: Early infantile epileptic encephalopathy; Ohtahara syndrome; Early infantile epileptic encephalopathy with suppression bursts. Identifiers: Orphanet 1934, MedGen C0393706, MONDO:0800491.

Allele frequency attached by ClinVar (database versions not stated): gnomAD exomes below 0.00001.
gnomAD v4.1: 1 of 1,613,014 alleles (0.000062%); highest among the groups gnomAD compares: Non-Finnish European, 0.000085%; no homozygotes.

Submissions (2):

GeneDx
Classification: Pathogenic. Last evaluated: 2026-03-31. Review status: criteria provided, single submitter. Criteria: GeneDx Variant Classification Process June 2021. Collection method: clinical testing. Allele origin: germline.
Comment: In silico analysis supports that this missense variant has a deleterious effect on protein structure/function; Not observed at significant frequency in large population cohorts (gnomAD); Has not been previously published as pathogenic or benign to our knowledge; This variant is associated with the following publications: (PMID: 19070316, 17347258, 30619928)

Labcorp Genetics (formerly Invitae), Labcorp
Classification: Likely pathogenic for Early-infantile DEE. Last evaluated: 2026-01-20. Review status: criteria provided, single submitter. Criteria: Invitae Variant Classification Sherloc (09022015). Collection method: clinical testing. Allele origin: germline.
Comment: This sequence change replaces isoleucine, which is neutral and non-polar, with threonine, which is neutral and polar, at codon 1545 of the SCN1A protein (p.Ile1545Thr). This variant is not present in population databases (gnomAD no frequency). This variant has not been reported in the literature in individuals affected with SCN1A-related conditions. ClinVar contains an entry for this variant (Variation ID: 2847117). Invitae Evidence Modeling of protein sequence and biophysical properties (such as structural, functional, and spatial information, amino acid conservation, physicochemical variation, residue mobility, and thermodynamic stability) indicates that this missense variant is expected to disrupt SCN1A protein function with a positive predictive value of 95%. This variant disrupts the p.Ile1545 amino acid residue in SCN1A. Other variant(s) that disrupt this residue have been determined to be pathogenic (PMID: 17347258, 28202706, 30619928). This suggests that this residue is clinically significant, and that variants that disrupt this residue are likely to be disease-causing. In summary, the currently available evidence indicates that the variant is pathogenic, but additional data are needed to prove that conclusively. Therefore, this variant has been classified as Likely Pathogenic.

Literature cited by the submitters: PubMed 17347258 (cited by Labcorp Genetics (formerly Invitae), Labcorp); PubMed 28202706 (cited by Labcorp Genetics (formerly Invitae), Labcorp); PubMed 30619928 (cited by Labcorp Genetics (formerly Invitae), Labcorp).

NM_001165963.4(SCN1A):c.4634T>C (p.Ile1545Thr)

Genes: SCN1A (sodium voltage-gated channel alpha subunit 1; minus strand), LOC102724058 (uncharacterized LOC102724058; plus strand). Cytogenetic location: 2q24.3.
Variant type: single nucleotide variant.
Coding change: c.4634T>C on transcript NM_001165963.4 (MANE Select); coding-DNA position 4634, T replaced by C.
Protein change: p.Ile1545Thr; replaces isoleucine 1545 with threonine.
Molecular consequence: missense variant. On other transcripts: non-coding transcript variant (1).
Genome position (GRCh38, 1-based): chr2:165,994,364, A>G on the plus strand (T>C on the coding strand, the complement: SCN1A is on the minus strand). VCF-style: chr2-165994364-A-G. GRCh37 (hg19) VCF-style: chr2-166850874-A-G.
Other names: c.4550T>C, p.Ile1517Thr (NM_001165964.3, NM_001353957.2, NM_001353958.2); c.4634T>C, p.Ile1545Thr (NM_001202435.3, NM_001353948.2); c.4601T>C, p.Ile1534Thr (NM_001353949.2, NM_001353950.2, NM_001353951.2 and 2 more transcripts); c.4598T>C, p.Ile1533Thr (NM_001353954.2, NM_001353955.2); c.4547T>C, p.Ile1516Thr (NM_001353960.2); c.2192T>C, p.Ile731Thr (NM_001353961.2); c.4634T>C (NM_001165963.1); short protein forms I731T, I1516T, I1517T, I1533T, I1534T, I1545T.
Identifiers: ClinVar variation 2847117 (VCV002847117.4), dbSNP rs2105449347, ClinGen allele CA349072267.